The following is an entry in ClinVar:

ClinVar aggregate classification (germline): Uncertain significance (1 of 4 stars; one submission).

Allele frequency attached by ClinVar (database versions not stated): TOPMed below 0.00001; ExAC 0.00001; gnomAD exomes 0.00001.
gnomAD v4.1: 12 of 1,613,536 alleles (0.00074%); highest among the groups gnomAD compares: Middle Eastern, 0.016%; no homozygotes.

Submission:

Labcorp Genetics (formerly Invitae), Labcorp
Classification: Uncertain significance. Last evaluated: 2022-05-28. Review status: criteria provided, single submitter. Criteria: Invitae Variant Classification Sherloc (09022015). Collection method: clinical testing. Allele origin: germline.
Comment: This sequence change replaces arginine, which is basic and polar, with cysteine, which is neutral and slightly polar, at codon 984 of the KIAA1549 protein (p.Arg984Cys). This variant is present in population databases (rs779620701, gnomAD 0.003%). This variant has not been reported in the literature in individuals affected with KIAA1549-related conditions. ClinVar contains an entry for this variant (Variation ID: 998775). Algorithms developed to predict the effect of missense changes on protein structure and function are either unavailable or do not agree on the potential impact of this missense change (SIFT: "Deleterious"; PolyPhen-2: "Probably Damaging"; Align-GVGD: "Class C0"). In summary, the available evidence is currently insufficient to determine the role of this variant in disease. Therefore, it has been classified as a Variant of Uncertain Significance.

NM_001164665.2(KIAA1549):c.2950C>T (p.Arg984Cys)

Gene: KIAA1549 (KIAA1549; minus strand). Cytogenetic location: 7q34.
Variant type: single nucleotide variant.
Coding change: c.2950C>T on transcript NM_001164665.2 (MANE Select); coding-DNA position 2950, C replaced by T.
Protein change: p.Arg984Cys; replaces arginine 984 with cysteine.
Molecular consequence: missense variant.
Genome position (GRCh38, 1-based): chr7:138,912,389, G>A on the plus strand (C>T on the coding strand, the complement: KIAA1549 is on the minus strand). VCF-style: chr7-138912389-G-A. GRCh37 (hg19) VCF-style: chr7-138597135-G-A.
Other names: c.2950C>T, p.Arg984Cys (NM_020910.3); short protein forms R984C.
Identifiers: ClinVar variation 998775 (VCV000998775.8), dbSNP rs779620701, ClinGen allele CA4506361.